The following is an entry in ClinVar:

NM_000152.5(GAA):c.166C>A (p.His56Asn)

Gene: GAA (alpha glucosidase; plus strand). Cytogenetic location: 17q25.3.
Variant type: single nucleotide variant.
Coding change: c.166C>A on transcript NM_000152.5 (MANE Select); coding-DNA position 166, C replaced by A.
Protein change: p.His56Asn; replaces histidine 56 with asparagine.
Molecular consequence: missense variant.
Genome position (GRCh38, 1-based): chr17:80,104,752, C>A. VCF-style: chr17-80104752-C-A. GRCh37 (hg19) VCF-style: chr17-78078551-C-A.
Other names: c.166C>A, p.His56Asn (NM_001079803.3, NM_001079804.3, NM_001406741.1 and 1 more transcripts); short protein forms H56N.
Identifiers: ClinVar variation 1947628 (VCV001947628.2), dbSNP rs781650771, ClinGen allele CA294886642.
Genomic context (GRCh38, chr17:80,104,752, plus strand): 5'-CTGCTGGTTCCCCGAGAGCTGAGTGGCTCCTCCCCAGTCCTGGAGGAGACTCACCCAGCT[C>A]ACCAGCAGGGAGCCAGCAGACCAGGGCCCCGGGATGCCCAGGCACACCCCGGCCGTCCCA-3'
Protein context (NP_000143.2, residues 46-66): SPVLEETHPA[His56Asn]QQGASRPGPR

ClinVar aggregate classification (germline): Uncertain significance (1 of 4 stars; one submission).

Conditions:
Glycogen storage disease, type II (IOPD). Also called: CARDIOMEGALIA GLYCOGENICA DIFFUSA; Glycogen storage disease type 2; Acid maltase deficiency disease; Aglucosidase alfa; POMPE DISEASE, INFANTILE-ONSET; GLYCOGEN STORAGE DISEASE II, INFANTILE-ONSET. Identifiers: Orphanet 365, MedGen C0017921, MONDO:0009290, OMIM 232300.

Allele frequency attached by ClinVar (database versions not stated): gnomAD 0.00001; TOPMed 0.00001.
gnomAD v4.1: 4 of 1,611,030 alleles (0.00025%); highest among the groups gnomAD compares: Non-Finnish European, 0.00034%; no homozygotes.

Submission:

Labcorp Genetics (formerly Invitae), Labcorp
Classification: Uncertain significance for Glycogen storage disease, type II. Last evaluated: 2022-07-11. Review status: criteria provided, single submitter. Criteria: Invitae Variant Classification Sherloc (09022015). Collection method: clinical testing. Allele origin: germline.
Comment: This sequence change replaces histidine, which is basic and polar, with asparagine, which is neutral and polar, at codon 56 of the GAA protein (p.His56Asn). This variant is not present in population databases (gnomAD no frequency). This variant has not been reported in the literature in individuals affected with GAA-related conditions. Advanced modeling of protein sequence and biophysical properties (such as structural, functional, and spatial information, amino acid conservation, physicochemical variation, residue mobility, and thermodynamic stability) performed at Invitae indicates that this missense variant is not expected to disrupt GAA protein function. In summary, the available evidence is currently insufficient to determine the role of this variant in disease. Therefore, it has been classified as a Variant of Uncertain Significance.